The following is an entry in ClinVar:

NM_003803.4(MYOM1):c.2636C>G (p.Pro879Arg)

Gene: MYOM1 (myomesin 1; minus strand). Cytogenetic location: 18p11.31.
Variant type: single nucleotide variant.
Coding change: c.2636C>G on transcript NM_003803.4 (MANE Select); coding-DNA position 2636, C replaced by G.
Protein change: p.Pro879Arg; replaces proline 879 with arginine.
Molecular consequence: missense variant. On other transcripts: intron variant (1).
Genome position (GRCh38, 1-based): chr18:3,129,390, G>C on the plus strand (C>G on the coding strand, the complement: MYOM1 is on the minus strand). VCF-style: chr18-3129390-G-C. GRCh37 (hg19) VCF-style: chr18-3129388-G-C.
Other names: c.2506+1985C>G (NM_019856.2); short protein forms P879R.
Identifiers: ClinVar variation 840227 (VCV000840227.9), dbSNP rs1366454578, ClinGen allele CA401710088.

ClinVar aggregate classification (germline): Uncertain significance (1 of 4 stars; one submission).

Conditions:
Hypertrophic cardiomyopathy. Also called: HYPERTROPHIC MYOCARDIOPATHY. Identifiers: Orphanet 217569, MedGen C0007194, MeSH D002312, MONDO:0005045, HP:0001639.

Allele frequency attached by ClinVar (database versions not stated): TOPMed below 0.00001; gnomAD exomes 0.00001 and 0.00002.
gnomAD v4.1: 27 of 1,613,996 alleles (0.0017%); highest among the groups gnomAD compares: Non-Finnish European, 0.0022%; no homozygotes.

Submission:

Labcorp Genetics (formerly Invitae), Labcorp
Classification: Uncertain significance for Hypertrophic cardiomyopathy. Last evaluated: 2019-11-26. Review status: criteria provided, single submitter. Criteria: Invitae Variant Classification Sherloc (09022015). Collection method: clinical testing. Allele origin: germline.
Comment: This sequence change replaces proline with arginine at codon 879 of the MYOM1 protein (p.Pro879Arg). The proline residue is weakly conserved and there is a moderate physicochemical difference between proline and arginine. This variant is not present in population databases (ExAC no frequency). This variant has not been reported in the literature in individuals with MYOM1-related conditions. Algorithms developed to predict the effect of missense changes on protein structure and function (SIFT, PolyPhen-2, Align-GVGD) all suggest that this variant is likely to be tolerated, but these predictions have not been confirmed by published functional studies and their clinical significance is uncertain. Algorithms developed to predict the effect of sequence changes on RNA splicing suggest that this variant may create or strengthen a splice site, but this prediction has not been confirmed by published transcriptional studies. In summary, the available evidence is currently insufficient to determine the role of this variant in disease. Therefore, it has been classified as a Variant of Uncertain Significance.